The following is an entry in ClinVar:

NM_022489.4(INF2):c.3365C>T (p.Pro1122Leu)

Gene: INF2 (inverted formin 2; plus strand). Cytogenetic location: 14q32.33.
Variant type: single nucleotide variant.
Coding change: c.3365C>T on transcript NM_022489.4 (MANE Select); coding-DNA position 3365, C replaced by T.
Protein change: p.Pro1122Leu; replaces proline 1122 with leucine.
Molecular consequence: missense variant.
Genome position (GRCh38, 1-based): chr14:104,714,527, C>T. VCF-style: chr14-104714527-C-T. GRCh37 (hg19) VCF-style: chr14-105180864-C-T.
Other names: c.3365C>T, p.Pro1122Leu (NM_001031714.4); short protein forms P1122L.
Identifiers: ClinVar variation 957671 (VCV000957671.9), dbSNP rs1422015907, ClinGen allele CA391224203.

ClinVar aggregate classification (germline): Uncertain significance (1 of 4 stars; one submission).

Conditions:
Focal segmental glomerulosclerosis 5 (FSGS5). Identifiers: Orphanet 656, MedGen C2750475, MONDO:0013191, OMIM 613237.
Charcot-Marie-Tooth disease dominant intermediate E. Also called: CHARCOT-MARIE-TOOTH NEUROPATHY WITH FOCAL SEGMENTAL GLOMERULONEPHRITIS. Identifiers: Orphanet 93114, MedGen C4302667, MONDO:0013758, OMIM 614455.

gnomAD v4.1: 1 of 1,612,836 alleles (0.000062%); highest among the groups gnomAD compares: Non-Finnish European, 0.000085%; no homozygotes.

Submission:

Labcorp Genetics (formerly Invitae), Labcorp
Classification: Uncertain significance for Charcot-Marie-Tooth disease dominant intermediate E; Focal segmental glomerulosclerosis 5. Last evaluated: 2020-02-22. Review status: criteria provided, single submitter. Criteria: Invitae Variant Classification Sherloc (09022015). Collection method: clinical testing. Allele origin: germline.
Comment: In summary, the available evidence is currently insufficient to determine the role of this variant in disease. Therefore, it has been classified as a Variant of Uncertain Significance. Algorithms developed to predict the effect of missense changes on protein structure and function output the following: SIFT: "Tolerated"; PolyPhen-2: "Not Available"; Align-GVGD: "Class C0". The leucine amino acid residue is found in multiple mammalian species, suggesting that this missense change does not adversely affect protein function. These predictions have not been confirmed by published functional studies and their clinical significance is uncertain. This variant has not been reported in the literature in individuals with INF2-related conditions. This variant is not present in population databases (ExAC no frequency). This sequence change replaces proline with leucine at codon 1122 of the INF2 protein (p.Pro1122Leu). The proline residue is weakly conserved and there is a moderate physicochemical difference between proline and leucine.